The following is an entry in ClinVar:

ClinVar aggregate classification (germline): Pathogenic (1 of 4 stars; one submission).

Conditions:
Alstrom syndrome (ALMS). Identifiers: Orphanet 64, MedGen C0268425, MONDO:0008763, OMIM 203800.

Submission:

Labcorp Genetics (formerly Invitae), Labcorp
Classification: Pathogenic for Alstrom syndrome. Last evaluated: 2022-03-14. Review status: criteria provided, single submitter. Criteria: Invitae Variant Classification Sherloc (09022015). Collection method: clinical testing. Allele origin: germline.
Comment: This sequence change creates a premature translational stop signal (p.Cys2623*) in the ALMS1 gene. It is expected to result in an absent or disrupted protein product. Loss-of-function variants in ALMS1 are known to be pathogenic (PMID: 17594715). This variant is not present in population databases (gnomAD no frequency). This variant has not been reported in the literature in individuals affected with ALMS1-related conditions. For these reasons, this variant has been classified as Pathogenic.

Literature cited by the submitters: PubMed 17594715.

NM_001378454.1(ALMS1):c.7866C>A (p.Cys2622Ter)

Gene: ALMS1 (ALMS1 centrosome and basal body associated protein; plus strand). Cytogenetic location: 2p13.1.
Variant type: single nucleotide variant.
Coding change: c.7866C>A on transcript NM_001378454.1 (MANE Select); coding-DNA position 7866, C replaced by A.
Protein change: p.Cys2622Ter; replaces cysteine 2622 with a stop codon.
Molecular consequence: nonsense.
Genome position (GRCh38, 1-based): chr2:73,489,825, C>A. VCF-style: chr2-73489825-C-A. GRCh37 (hg19) VCF-style: chr2-73716952-C-A.
Other names: c.7869C>A, p.Cys2623Ter (NM_015120.4); short protein forms C2622*, C2623*.
Identifiers: ClinVar variation 2111797 (VCV002111797.4), dbSNP rs772164111, ClinGen allele CA347266060.
Genomic context (GRCh38, chr2:73,489,825, plus strand): 5'-TGCTTTCAGATCTGCTGGACCCTCAGAAATGACCAGAGGACGGCAGAACCCATCATCATG[C>A]AGAGCCAAGCATGTCAACCTTTCTGCATCCTTAGACCAGAACAACTCCCATTTCAAAGTT-3'